The following is an entry in ClinVar:

NM_004984.4(KIF5A):c.1905+5G>A

Gene: KIF5A (kinesin family member 5A; plus strand). Cytogenetic location: 12q13.3.
Variant type: single nucleotide variant.
Coding change: c.1905+5G>A on transcript NM_004984.4 (MANE Select); 5 bases into the intron after coding-DNA position 1905, G replaced by A.
Molecular consequence: intron variant.
Genome position (GRCh38, 1-based): chr12:57,575,277, G>A. VCF-style: chr12-57575277-G-A. GRCh37 (hg19) VCF-style: chr12-57969060-G-A.
Other names: c.1638+5G>A (NM_001354705.2).
Identifiers: ClinVar variation 2963988 (VCV002963988.3), dbSNP rs2540508052, ClinGen allele CA2575004341.

ClinVar aggregate classification (germline): Uncertain significance (1 of 4 stars; one submission).

Conditions:
Spastic paraplegia. Identifiers: MedGen C0037772, HP:0001258.

Allele frequency attached by ClinVar (database versions not stated): gnomAD exomes below 0.00001.
gnomAD v4.1: 1 of 1,612,450 alleles (0.000062%); highest among the groups gnomAD compares: Non-Finnish European, 0.000085%; no homozygotes.

Submission:

Labcorp Genetics (formerly Invitae), Labcorp
Classification: Uncertain significance for Spastic paraplegia. Last evaluated: 2023-08-24. Review status: criteria provided, single submitter. Criteria: Invitae Variant Classification Sherloc (09022015). Collection method: clinical testing. Allele origin: germline.
Comment: This sequence change falls in intron 16 of the KIF5A gene. It does not directly change the encoded amino acid sequence of the KIF5A protein. It affects a nucleotide within the consensus splice site. In summary, the available evidence is currently insufficient to determine the role of this variant in disease. Therefore, it has been classified as a Variant of Uncertain Significance. Variants that disrupt the consensus splice site are a relatively common cause of aberrant splicing (PMID: 17576681, 9536098). Algorithms developed to predict the effect of sequence changes on RNA splicing suggest that this variant is not likely to affect RNA splicing. This variant has not been reported in the literature in individuals affected with KIF5A-related conditions. This variant is not present in population databases (gnomAD no frequency).

Literature cited by the submitters: PubMed 17576681; PubMed 9536098.